The following is an entry in ClinVar:

NM_153704.6(TMEM67):c.1928G>A (p.Arg643Gln)

Gene: TMEM67 (transmembrane protein 67; plus strand). Cytogenetic location: 8q22.1.
Variant type: single nucleotide variant.
Coding change: c.1928G>A on transcript NM_153704.6 (MANE Select); coding-DNA position 1928, G replaced by A.
Protein change: p.Arg643Gln; replaces arginine 643 with glutamine.
Molecular consequence: missense variant. On other transcripts: non-coding transcript variant (1).
Genome position (GRCh38, 1-based): chr8:93,797,201, G>A. VCF-style: chr8-93797201-G-A. GRCh37 (hg19) VCF-style: chr8-94809429-G-A.
Other names: c.1685G>A, p.Arg562Gln (NM_001142301.1); c.1928G>A (NM_153704.5); short protein forms R643Q, R562Q.
Identifiers: ClinVar variation 1349069 (VCV001349069.8), dbSNP rs776677392, ClinGen allele CA4808155.

ClinVar aggregate classification (germline): Uncertain significance. Review status: criteria provided, multiple submitters, no conflicts (2 of 4 stars). 4 submissions from 4 submitters: Uncertain significance (4). Last evaluated 2026-01-06.

Conditions:
TMEM67-related disorder. Also called: TMEM67-related condition; TMEM67-related disorders. Identifiers: MedGen CN239423.
Meckel-Gruber syndrome. Also called: DYSENCEPHALIA SPLANCHNOCYSTICA; GRUBER SYNDROME; Dysencephalia splachnocystica. Identifiers: Orphanet 564, MedGen C0265215, MONDO:0018921.
Joubert syndrome. Also called: JOUBERT-BOLTSHAUSER SYNDROME; Familial aplasia of the vermis. Identifiers: Orphanet 475, MedGen C5979921, MONDO:0018772.
Nephronophthisis 11 (NPHP11). Identifiers: Orphanet 84081, MedGen C3150796, MONDO:0013302, OMIM 613550.
Joubert syndrome 6 (JBTS6). Identifiers: Orphanet 475, MedGen C1853153, MONDO:0012539, OMIM 610688.
RHYNS syndrome. Also called: RETINITIS PIGMENTOSA SYNDROME; RETINITIS PIGMENTOSA, HYPOPITUITARISM, NEPHRONOPHTHISIS, AND MILD SKELETAL DYSPLASIA. Identifiers: Orphanet 140976, MedGen C1865794, MONDO:0011202, OMIM 602152.
COACH syndrome 1. Identifiers: Orphanet 1454, MedGen C5435651, MONDO:0800103, OMIM 216360, MONDO:0008996.
Bardet-Biedl syndrome 14 (BBS14). Identifiers: Orphanet 110, MedGen C2673874, MONDO:0014442, OMIM 615991.
Meckel syndrome, type 3 (MKS3). Also called: MECKEL-GRUBER SYNDROME, TYPE 3. Identifiers: Orphanet 564, MedGen C1846357, MONDO:0011821, OMIM 607361.
Inborn genetic diseases. Identifiers: MedGen C0950123, MeSH D030342.

Allele frequency attached by ClinVar (database versions not stated): gnomAD 0.00002 and 0.00003; TOPMed 0.00005; ExAC 0.00017; gnomAD exomes 0.00020.
gnomAD v4.1: 68 of 1,613,200 alleles (0.0042%); highest among the groups gnomAD compares: Admixed American, 0.092%; no homozygotes.

Submissions (4):

PreventionGenetics, part of Exact Sciences
Classification: Uncertain significance for TMEM67-related condition. Last evaluated: 2026-01-06. Review status: criteria provided, single submitter. Criteria: ACMG Guidelines, 2015. Collection method: clinical testing. Allele origin: germline.
Comment: The TMEM67 c.1928G>A variant is predicted to result in the amino acid substitution p.Arg643Gln. To our knowledge, this variant has not been reported in the literature. This variant is reported in 0.12% of alleles in individuals of Latino descent in gnomAD, which is more frequent than expected for a disease-causing variant in TMEM67. Although we suspect that this variant may be benign, at this time, the clinical significance of this variant is uncertain due to the absence of conclusive functional and genetic evidence.

Ambry Genetics
Classification: Uncertain significance for Inborn genetic diseases. Last evaluated: 2025-03-03. Review status: criteria provided, single submitter. Criteria: Ambry Variant Classification Scheme 2023. Collection method: clinical testing. Allele origin: germline.

Fulgent Genetics
Classification: Uncertain significance for COACH syndrome 1; RHYNS syndrome; Meckel syndrome, type 3; Joubert syndrome 6; Nephronophthisis 11; Bardet-Biedl syndrome 14. Last evaluated: 2024-03-18. Review status: criteria provided, single submitter. Criteria: ACMG Guidelines, 2015. Collection method: clinical testing. Allele origin: germline.

Labcorp Genetics (formerly Invitae), Labcorp
Classification: Uncertain significance for Joubert syndrome; Meckel-Gruber syndrome. Last evaluated: 2022-08-22. Review status: criteria provided, single submitter. Criteria: Invitae Variant Classification Sherloc (09022015). Collection method: clinical testing. Allele origin: germline.
Comment: This sequence change replaces arginine, which is basic and polar, with glutamine, which is neutral and polar, at codon 643 of the TMEM67 protein (p.Arg643Gln). This variant is present in population databases (rs776677392, gnomAD 0.1%). This variant has not been reported in the literature in individuals affected with TMEM67-related conditions. ClinVar contains an entry for this variant (Variation ID: 1349069). Advanced modeling of protein sequence and biophysical properties (such as structural, functional, and spatial information, amino acid conservation, physicochemical variation, residue mobility, and thermodynamic stability) performed at Invitae indicates that this missense variant is expected to disrupt TMEM67 protein function. In summary, the available evidence is currently insufficient to determine the role of this variant in disease. Therefore, it has been classified as a Variant of Uncertain Significance.